The following is an entry in ClinVar:

ClinVar aggregate classification (germline): Uncertain significance (1 of 4 stars; one submission).

Submission:

Women's Health and Genetics/Laboratory Corporation of America, LabCorp
Classification: Uncertain significance. Last evaluated: 2025-04-15. Review status: criteria provided, single submitter. Criteria: LabCorp Variant Classification Summary - May 2015. Collection method: clinical testing. Allele origin: germline.
Comment: Variant summary: COL4A1 c.4102C>T (p.Pro1368Ser) results in a non-conservative amino acid change in the encoded protein sequence. Three of five in-silico tools predict a benign effect of the variant on protein function. The variant allele was found at a frequency of 4.3e-06 in 233488 control chromosomes. The available data on variant occurrences in the general population are insufficient to allow any conclusion about variant significance. To our knowledge, no occurrence of c.4102C>T in individuals affected with Porencephaly 1 and no experimental evidence demonstrating its impact on protein function have been reported. No submitters have cited clinical-significance assessments for this variant to ClinVar. Based on the evidence outlined above, the variant was classified as uncertain significance.

NM_001845.6(COL4A1):c.4102C>T (p.Pro1368Ser)

Gene: COL4A1 (collagen type IV alpha 1 chain; minus strand). Cytogenetic location: 13q34.
Variant type: single nucleotide variant.
Coding change: c.4102C>T on transcript NM_001845.6 (MANE Select); coding-DNA position 4102, C replaced by T.
Protein change: p.Pro1368Ser; replaces proline 1368 with serine.
Molecular consequence: missense variant.
Genome position (GRCh38, 1-based): chr13:110,164,910, G>A on the plus strand (C>T on the coding strand, the complement: COL4A1 is on the minus strand). VCF-style: chr13-110164910-G-A. GRCh37 (hg19) VCF-style: chr13-110817257-G-A.
Other names: short protein forms P1368S.
Identifiers: ClinVar variation 3896281 (VCV003896281.2).